The following is an entry in ClinVar:

NM_000548.5(TSC2):c.3032C>A (p.Ala1011Asp)

Gene: TSC2 (TSC complex subunit 2; plus strand). Cytogenetic location: 16p13.3.
Variant type: single nucleotide variant.
Coding change: c.3032C>A on transcript NM_000548.5 (MANE Select); coding-DNA position 3032, C replaced by A.
Protein change: p.Ala1011Asp; replaces alanine 1011 with aspartic acid.
Molecular consequence: missense variant. On other transcripts: non-coding transcript variant (5).
Genome position (GRCh38, 1-based): chr16:2,079,097, C>A. VCF-style: chr16-2079097-C-A. GRCh37 (hg19) VCF-style: chr16-2129098-C-A.
Other names: c.2900C>A, p.Ala967Asp (NM_001077183.3, NM_001370404.1, NM_001406665.1); c.3032C>A, p.Ala1011Asp (NM_001114382.3); c.2792C>A, p.Ala931Asp (NM_001318827.2); c.2756C>A, p.Ala919Asp (NM_001318829.2); c.2300C>A, p.Ala767Asp (NM_001318831.2, NM_001406687.1, NM_001406688.1); c.2933C>A, p.Ala978Asp (NM_001318832.2); c.2903C>A, p.Ala968Asp (NM_001363528.2, NM_001370405.1, NM_021055.3); c.3029C>A, p.Ala1010Asp (NM_001406663.1, NM_001406664.1); and 18 more; short protein forms A767D, A768D, A961D, A962D, A963D, A968D, A974D, A998D.
Identifiers: ClinVar variation 3462673 (VCV003462673.1).

ClinVar aggregate classification (germline): Uncertain significance (1 of 4 stars; one submission).

Conditions:
Hereditary cancer-predisposing syndrome. Also called: Tumor predisposition; Neoplastic Syndromes, Hereditary; Hereditary neoplastic syndrome; Hereditary Cancer Syndrome. Identifiers: Orphanet 140162, MedGen C0027672, MeSH D009386, MONDO:0015356.

Submission:

Ambry Genetics
Classification: Uncertain significance for Hereditary cancer-predisposing syndrome. Last evaluated: 2024-11-14. Review status: criteria provided, single submitter. Criteria: Ambry Variant Classification Scheme 2023. Collection method: clinical testing. Allele origin: germline.
Comment: The p.A1011D variant (also known as c.3032C>A), located in coding exon 26 of the TSC2 gene, results from a C to A substitution at nucleotide position 3032. The alanine at codon 1011 is replaced by aspartic acid, an amino acid with dissimilar properties. This amino acid position is conserved. In addition, this alteration is predicted to be deleterious by in silico analysis. Based on the available evidence, the clinical significance of this variant remains unclear.